The following is an entry in ClinVar:

ClinVar aggregate classification (germline): Uncertain significance (1 of 4 stars; one submission).

Submission:

Labcorp Genetics (formerly Invitae), Labcorp
Classification: Uncertain significance. Last evaluated: 2023-11-20. Review status: criteria provided, single submitter. Criteria: Invitae Variant Classification Sherloc (09022015). Collection method: clinical testing. Allele origin: germline.
Comment: This sequence change replaces threonine, which is neutral and polar, with isoleucine, which is neutral and non-polar, at codon 2452 of the FN1 protein (p.Thr2452Ile). This variant is not present in population databases (gnomAD no frequency). This variant has not been reported in the literature in individuals affected with FN1-related conditions. An algorithm developed to predict the effect of missense changes on protein structure and function (PolyPhen-2) suggests that this variant is likely to be tolerated. In summary, the available evidence is currently insufficient to determine the role of this variant in disease. Therefore, it has been classified as a Variant of Uncertain Significance.

NM_212482.4(FN1):c.7355C>T (p.Thr2452Ile)

Genes: ATIC (5-aminoimidazole-4-carboxamide ribonucleotide formyltransferase/IMP cyclohydrolase; plus strand), FN1 (fibronectin 1; minus strand). Cytogenetic location: 2q35.
Variant type: single nucleotide variant.
Coding change: c.7355C>T on transcript NM_212482.4 (MANE Select); coding-DNA position 7355, C replaced by T.
Protein change: p.Thr2452Ile; replaces threonine 2452 with isoleucine.
Molecular consequence: missense variant.
Genome position (GRCh38, 1-based): chr2:215,361,976, G>A on the plus strand (C>T on the coding strand, the complement: FN1 is on the minus strand). VCF-style: chr2-215361976-G-A. GRCh37 (hg19) VCF-style: chr2-216226699-G-A.
Other names: c.7262C>T, p.Thr2421Ile (NM_001306129.2); c.6725C>T, p.Thr2242Ile (NM_001306130.2); c.6719C>T, p.Thr2240Ile (NM_001306131.2); c.6644C>T, p.Thr2215Ile (NM_001306132.2); c.7085C>T, p.Thr2362Ile (NM_001365517.2); c.7082C>T, p.Thr2361Ile (NM_001365518.2); c.7010C>T, p.Thr2337Ile (NM_001365519.2); c.7007C>T, p.Thr2336Ile (NM_001365520.2); and 8 more; short protein forms T2241I, T2242I, T2305I, T2330I, T2331I, T2362I, T2452I, T2306I.
Identifiers: ClinVar variation 2697535 (VCV002697535.3), dbSNP rs2053549925, ClinGen allele CA350461577.